The following is an entry in ClinVar:

ClinVar aggregate classification (germline): Uncertain significance. Review status: criteria provided, multiple submitters, no conflicts (2 of 4 stars). 3 submissions from 3 submitters: Uncertain significance (3). Last evaluated 2025-12-20.

Conditions:
Arginine:glycine amidinotransferase deficiency (CCDS3). Also called: L-Arginine:Glycine Amidinotransferase (AGAT) Deficiency; Creatine deficiency syndrome due to AGAT deficiency; GATM deficiency; Cerebral creatine deficiency syndrome 3; AGAT deficiency; L-Arginine:Glycine Amidinotransferase Deficiency. Identifiers: Orphanet 35704, MedGen C2675179, MONDO:0012996, OMIM 612718.
Fanconi renotubular syndrome 1. Also called: Toni-Debre-Fanconi syndrome; Neonatal De Toni-Debre-Fanconi syndrome; De Toni-Fanconi syndrome; FRTS1; LUDER-SHELDON SYNDROME. Identifiers: MedGen C4551503, MONDO:0024525, OMIM 134600.
Inborn genetic diseases. Identifiers: MedGen C0950123, MeSH D030342.

Allele frequency attached by ClinVar (database versions not stated): gnomAD 0.00001; gnomAD exomes 0.00001 and 0.00002; TOPMed 0.00002.
gnomAD v4.1: 10 of 1,613,856 alleles (0.00062%); highest among the groups gnomAD compares: Admixed American, 0.005%; no homozygotes.

Submissions (3):

Labcorp Genetics (formerly Invitae), Labcorp
Classification: Uncertain significance for Arginine:glycine amidinotransferase deficiency. Last evaluated: 2025-12-20. Review status: criteria provided, single submitter. Criteria: Invitae Variant Classification Sherloc (09022015). Collection method: clinical testing. Allele origin: germline.
Comment: This sequence change replaces glycine, which is neutral and non-polar, with arginine, which is basic and polar, at codon 30 of the GATM protein (p.Gly30Arg). This variant is present in population databases (no rsID available, gnomAD 0.009%). This variant has not been reported in the literature in individuals affected with GATM-related conditions. ClinVar contains an entry for this variant (Variation ID: 1461940). Invitae Evidence Modeling of protein sequence and biophysical properties (such as structural, functional, and spatial information, amino acid conservation, physicochemical variation, residue mobility, and thermodynamic stability) indicates that this missense variant is not expected to disrupt GATM protein function with a negative predictive value of 95%. In summary, the available evidence is currently insufficient to determine the role of this variant in disease. Therefore, it has been classified as a Variant of Uncertain Significance.

Fulgent Genetics
Classification: Uncertain significance for Fanconi renotubular syndrome 1; Arginine:glycine amidinotransferase deficiency. Last evaluated: 2021-09-16. Review status: criteria provided, single submitter. Criteria: ACMG Guidelines, 2015. Collection method: clinical testing. Allele origin: unknown.

Ambry Genetics
Classification: Uncertain significance for Inborn genetic diseases. Last evaluated: 2017-06-20. Review status: criteria provided, single submitter. Criteria: Ambry Variant Classification Scheme 2023. Collection method: clinical testing. Allele origin: germline.
Comment: The p.G30R variant (also known as c.88G>A), located in coding exon 2 of the GATM gene, results from a G to A substitution at nucleotide position 88. The glycine at codon 30 is replaced by arginine, an amino acid with dissimilar properties. This amino acid position is highly conserved in available vertebrate species. In addition, the in silico prediction for this alteration is inconclusive. Since supporting evidence is limited at this time, the clinical significance of this alteration remains unclear.

NM_001482.3(GATM):c.88G>A (p.Gly30Arg)

Gene: GATM (glycine amidinotransferase; minus strand). Cytogenetic location: 15q21.1.
Variant type: single nucleotide variant.
Coding change: c.88G>A on transcript NM_001482.3 (MANE Select); coding-DNA position 88, G replaced by A.
Protein change: p.Gly30Arg; replaces glycine 30 with arginine.
Molecular consequence: missense variant. On other transcripts: 5 prime UTR variant (1).
Genome position (GRCh38, 1-based): chr15:45,376,801, C>T on the plus strand (G>A on the coding strand, the complement: GATM is on the minus strand). VCF-style: chr15-45376801-C-T. GRCh37 (hg19) VCF-style: chr15-45668999-C-T.
Other names: c.-300G>A (NM_001321015.2); short protein forms G30R.
Identifiers: ClinVar variation 1461940 (VCV001461940.9), dbSNP rs1245821498, ClinGen allele CA392265958.